The following is an entry in ClinVar:

NM_023110.3(FGFR1):c.1386G>A (p.Glu462=)

Gene: FGFR1 (fibroblast growth factor receptor 1; minus strand). Cytogenetic location: 8p11.23.
Variant type: single nucleotide variant.
Coding change: c.1386G>A on transcript NM_023110.3 (MANE Select); coding-DNA position 1386, G replaced by A.
Protein change: p.Glu462=; no amino-acid change (glutamic acid 462 retained).
Molecular consequence: synonymous variant.
Genome position (GRCh38, 1-based): chr8:38,418,272, C>T on the plus strand (G>A on the coding strand, the complement: FGFR1 is on the minus strand). VCF-style: chr8-38418272-C-T. GRCh37 (hg19) VCF-style: chr8-38275790-C-T.
Other names: c.1380G>A, p.Glu460= (NM_001174063.2, NM_001174065.2, NM_001354367.2 and 1 more transcripts); c.1356G>A, p.Glu452= (NM_001174064.2); c.1119G>A, p.Glu373= (NM_001174066.2, NM_023105.3); c.1479G>A, p.Glu493= (NM_001174067.2); c.1107G>A, p.Glu369= (NM_001354368.2); c.1374G>A, p.Glu458= (NM_001354369.2); c.1113G>A, p.Glu371= (NM_001354370.2, NM_023106.3).
Identifiers: ClinVar variation 384463 (VCV000384463.15), dbSNP rs375796487, ClinGen allele CA4718398.

ClinVar aggregate classification (germline): Benign/Likely benign. Review status: criteria provided, multiple submitters, no conflicts (2 of 4 stars). 7 submissions from 4 submitters: Benign (2); Likely benign (5). Last evaluated 2025-04-13.

Conditions:
Craniosynostosis syndrome. Also called: Craniosynostosis. Identifiers: Orphanet 1531, MedGen C0010278, MeSH D003398, MONDO:0015469, HP:0001363.
Hypogonadotropic hypogonadism 2 with or without anosmia (HH2). Also called: FGFR1-Related GnRH Deficiency (Kallmann Syndrome 2); HYPOGONADOTROPIC HYPOGONADISM 2 WITHOUT ANOSMIA; HYPOGONADOTROPIC HYPOGONADISM 2 WITH OR WITHOUT ANOSMIA, SUSCEPTIBILITY TO; HYPOGONADOTROPIC HYPOGONADISM 2 WITHOUT ANOSMIA, SUSCEPTIBILITY TO. Identifiers: Orphanet 478, MedGen C1563720, MONDO:0007844, OMIM 147950. Disease mechanism: loss of function.
Pfeiffer syndrome (ACS5). Also called: ACS V. Identifiers: Orphanet 710, MedGen C0220658, MONDO:0007043, OMIM 101600.
Osteoglophonic dysplasia (OGD). Also called: Osteoglophonic dwarfism. Identifiers: Orphanet 2645, MedGen C0432283, MONDO:0008150, OMIM 166250.
Trigonocephaly 1 (TRIGNO1). Identifiers: Orphanet 3366, MedGen C0432122, MONDO:0008603, OMIM 190440.

Allele frequency attached by ClinVar (database versions not stated): gnomAD exomes 0.00007; ExAC 0.00009; TOPMed 0.00010; gnomAD 0.00013 and 0.00014; ESP Exome Variant Server 0.00024.
gnomAD v4.1: 237 of 1,614,116 alleles (0.015%); highest among the groups gnomAD compares: Non-Finnish European, 0.018%; no homozygotes.

Submissions (7):

Labcorp Genetics (formerly Invitae), Labcorp
Classification: Likely benign for Pfeiffer syndrome; Hypogonadotropic hypogonadism 2 with or without anosmia. Last evaluated: 2025-04-13. Review status: criteria provided, single submitter. Criteria: Invitae Variant Classification Sherloc (09022015). Collection method: clinical testing. Allele origin: germline.

Laboratory of Genetics, Children's Clinical University Hospital Latvia
Classification: Likely benign. Last evaluated: 2025-02-16. Review status: criteria provided, single submitter. Criteria: ACMG Guidelines, 2015. Collection method: clinical testing. Allele origin: germline. Affected: yes.

GeneDx
Classification: Likely benign. Last evaluated: 2020-11-06. Review status: criteria provided, single submitter. Criteria: GeneDx Variant Classification Process June 2021. Collection method: clinical testing. Allele origin: germline. Affected: yes.

Illumina Laboratory Services, Illumina
Classification: Benign for Osteoglophonic dysplasia. Last evaluated: 2018-01-12. Review status: criteria provided, single submitter. Criteria: ICSL Variant Classification Criteria 13 December 2019. Collection method: clinical testing. Allele origin: germline.
Comment: This variant was observed in the ICSL laboratory as part of a predisposition screen in an ostensibly healthy population. It had not been previously curated by ICSL or reported in the Human Gene Mutation Database (HGMD: prior to June 1st, 2018), and was therefore a candidate for classification through an automated scoring system. Utilizing variant allele frequency, disease prevalence and penetrance estimates, and inheritance mode, an automated score was calculated to assess if this variant is too frequent to cause the disease. Based on the score and internal cut-off values, a variant classified as benign is not then subjected to further curation. The score for this variant resulted in a classification of benign for this disease.

Illumina Laboratory Services, Illumina
Classification: Benign for Trigonocephaly 1. Last evaluated: 2018-01-12. Review status: criteria provided, single submitter. Criteria: ICSL Variant Classification Criteria 13 December 2019. Collection method: clinical testing. Allele origin: germline.
Comment: the same text as in the submission from Illumina Laboratory Services, Illumina above.

Illumina Laboratory Services, Illumina
Classification: Likely benign for Craniosynostosis. Last evaluated: 2018-01-12. Review status: criteria provided, single submitter. Criteria: ICSL Variant Classification Criteria 13 December 2019. Collection method: clinical testing. Allele origin: germline.
Comment: This variant was observed in the ICSL laboratory as part of a predisposition screen in an ostensibly healthy population. It had not been previously curated by ICSL or reported in the Human Gene Mutation Database (HGMD: prior to June 1st, 2018), and was therefore a candidate for classification through an automated scoring system. Utilizing variant allele frequency, disease prevalence and penetrance estimates, and inheritance mode, an automated score was calculated to assess if this variant is too frequent to cause the disease. Based on the score and internal cut-off values, a variant classified as likely benign is not then subjected to further curation. The score for this variant resulted in a classification of likely benign for this disease.

Illumina Laboratory Services, Illumina
Classification: Likely benign for Hypogonadotropic hypogonadism 2 with or without anosmia. Last evaluated: 2018-01-12. Review status: criteria provided, single submitter. Criteria: ICSL Variant Classification Criteria 13 December 2019. Collection method: clinical testing. Allele origin: germline.
Comment: the same text as in the submission from Illumina Laboratory Services, Illumina above.